The following is an entry in ClinVar:

NM_000169.3(GLA):c.832A>G (p.Asn278Asp)

Genes: GLA (galactosidase alpha; minus strand), RPL36A-HNRNPH2 (RPL36A-HNRNPH2 readthrough; plus strand). Cytogenetic location: Xq22.1.
Variant type: single nucleotide variant.
Coding change: c.832A>G on transcript NM_000169.3 (MANE Select); coding-DNA position 832, A replaced by G.
Protein change: p.Asn278Asp; replaces asparagine 278 with aspartic acid.
Molecular consequence: missense variant. On other transcripts: non-coding transcript variant (3), intron variant (2).
Genome position (GRCh38, 1-based): chrX:101,398,537, T>C on the plus strand (A>G on the coding strand, the complement: GLA is on the minus strand). VCF-style: chrX-101398537-T-C. GRCh37 (hg19) VCF-style: chrX-100653525-T-C.
Other names: c.955A>G, p.Asn319Asp (NM_001406747.1); c.832A>G, p.Asn278Asp (NM_001406748.1); c.300+3080T>C (NM_001199973.2); c.177+6715T>C (NM_001199974.2); short protein forms N278D, N319D.
Identifiers: ClinVar variation 4974821 (VCV004974821.1).

ClinVar aggregate classification (germline): Uncertain significance (1 of 4 stars; one submission).

Conditions:
Fabry disease. Also called: Fabry's disease; ALPHA-GALACTOSIDASE A DEFICIENCY; ANDERSON-FABRY DISEASE; CERAMIDE TRIHEXOSIDASE DEFICIENCY; GLA DEFICIENCY; HEREDITARY DYSTOPIC LIPIDOSIS. Identifiers: Orphanet 324, MedGen C0002986, MONDO:0010526, OMIM 301500, HP:0001071. Disease mechanism: Fabry disease is due to inactivating mutations in the X-linked GLA gene resulting in deficiency of the enzyme Alpha Galactosidase-A., loss of function.

Submission:

Genomenon, Inc
Classification: Uncertain significance for Fabry disease. Last evaluated: 2026-09-08. Review status: criteria provided, single submitter. Criteria: Genomenon Sequence Variant Interpretation Standards - Updated. Collection method: curation. Allele origin: germline. Affected: no.
Comment: GLA p.Asn278Asp (c.832A>G) is a missense variant that changes the amino acid at codon 278 from Asparagine to Aspartic acid. This variant has been reported in the published literature (PMID:39468034). It is absent or not present at a significant frequency in gnomAD. In conclusion, we classify GLA p.Asn278Asp (c.832A>G) as a variant of uncertain significance.

Literature cited by the submitters: PubMed 39468034.